The following is an entry in ClinVar:

ClinVar aggregate classification (germline): Uncertain significance (1 of 4 stars; one submission).

Conditions:
Pitt-Hopkins-like syndrome 2 (PTHSL2). Identifiers: Orphanet 221150, Orphanet 600663, MedGen C3280479, MONDO:0013690, OMIM 614325.

Submission:

Labcorp Genetics (formerly Invitae), Labcorp
Classification: Uncertain significance for Pitt-Hopkins-like syndrome 2. Last evaluated: 2020-08-14. Review status: criteria provided, single submitter. Criteria: Invitae Variant Classification Sherloc (09022015). Collection method: clinical testing. Allele origin: germline.
Comment: This variant has not been reported in the literature in individuals with NRXN1-related conditions. Algorithms developed to predict the effect of missense changes on protein structure and function are either unavailable or do not agree on the potential impact of this missense change (SIFT: "Deleterious"; PolyPhen-2: "Benign"; Align-GVGD: "Class C0"). Algorithms developed to predict the effect of sequence changes on RNA splicing suggest that this variant may disrupt the consensus splice site, but this prediction has not been confirmed by published transcriptional studies. In summary, the available evidence is currently insufficient to determine the role of this variant in disease. Therefore, it has been classified as a Variant of Uncertain Significance. This variant is not present in population databases (ExAC no frequency). This sequence change replaces glycine with aspartic acid at codon 307 of the NRXN1 protein (p.Gly307Asp). The glycine residue is highly conserved and there is a moderate physicochemical difference between glycine and aspartic acid.

NM_001330078.2(NRXN1):c.821G>A (p.Gly274Asp)

Gene: NRXN1 (neurexin 1; minus strand). Cytogenetic location: 2p16.3.
Variant type: single nucleotide variant.
Coding change: c.821G>A on transcript NM_001330078.2 (MANE Select); coding-DNA position 821, G replaced by A.
Protein change: p.Gly274Asp; replaces glycine 274 with aspartic acid.
Molecular consequence: missense variant. On other transcripts: intron variant (6).
Genome position (GRCh38, 1-based): chr2:50,921,880, C>T on the plus strand (G>A on the coding strand, the complement: NRXN1 is on the minus strand). VCF-style: chr2-50921880-C-T. GRCh37 (hg19) VCF-style: chr2-51149018-C-T.
Other names: c.920G>A, p.Gly307Asp (NM_001135659.3); c.821G>A, p.Gly274Asp (NM_001330077.2, NM_001330081.2, NM_001330082.2 and 5 more transcripts); c.818G>A, p.Gly273Asp (NM_001330079.2, NM_001330093.2); c.772+105622G>A (NM_001330096.2, NM_001330087.2, NM_001330083.2 and 1 more transcripts); c.802+778G>A (NM_001330088.2); c.820+778G>A (NM_001330094.2); short protein forms G273D, G274D, G307D.
Identifiers: ClinVar variation 1019082 (VCV001019082.8), dbSNP rs1265096743, ClinGen allele CA346822806.
Genomic context (GRCh38, chr2:50,921,880, plus strand): 5'-ACTGTAATTCATACAGATGATATTAAGAAGAAATAAAATAATGTAATACCTTTACTTTTA[C>T]CTATGGATTTGATGAAATGGGTCCATGAAGAAAGGGTTTCCAGACAAAGAGGATAAAGAG-3'
Protein context (NP_001317007.1, residues 264-284): GLAHLMMGDQ[Gly274Asp]KSKGKEEYIA